The following is an entry in ClinVar:

ClinVar aggregate classification (germline): Uncertain significance (1 of 4 stars; one submission).

Conditions:
Cholestanol storage disease (CTX). Also called: Cerebrotendinous Xanthomatosis; CTX: Cerebrotendinous xanthomatosis; CEREBRAL CHOLESTERINOSIS. Identifiers: Orphanet 909, MedGen C0238052, MONDO:0008948, OMIM 213700.

Submission:

Labcorp Genetics (formerly Invitae), Labcorp
Classification: Uncertain significance for Cholestanol storage disease. Last evaluated: 2025-07-03. Review status: criteria provided, single submitter. Criteria: Invitae Variant Classification Sherloc (09022015). Collection method: clinical testing. Allele origin: germline.
Comment: This sequence change replaces tyrosine, which is neutral and polar, with aspartic acid, which is acidic and polar, at codon 92 of the CYP27A1 protein (p.Tyr92Asp). This variant is not present in population databases (gnomAD no frequency). This variant has not been reported in the literature in individuals affected with CYP27A1-related conditions. Invitae Evidence Modeling of protein sequence and biophysical properties (such as structural, functional, and spatial information, amino acid conservation, physicochemical variation, residue mobility, and thermodynamic stability) indicates that this missense variant is expected to disrupt CYP27A1 protein function with a positive predictive value of 95%. In summary, the available evidence is currently insufficient to determine the role of this variant in disease. Therefore, it has been classified as a Variant of Uncertain Significance.

NM_000784.4(CYP27A1):c.274T>G (p.Tyr92Asp)

Gene: CYP27A1 (cytochrome P450 family 27 subfamily A member 1; plus strand). Cytogenetic location: 2q35.
Variant type: single nucleotide variant.
Coding change: c.274T>G on transcript NM_000784.4 (MANE Select); coding-DNA position 274, T replaced by G.
Protein change: p.Tyr92Asp; replaces tyrosine 92 with aspartic acid.
Molecular consequence: missense variant.
Genome position (GRCh38, 1-based): chr2:218,809,595, T>G. VCF-style: chr2-218809595-T-G. GRCh37 (hg19) VCF-style: chr2-219674318-T-G.
Other names: short protein forms Y92D.
Identifiers: ClinVar variation 4800345 (VCV004800345.1).